The following is an entry in ClinVar:

ClinVar aggregate classification (germline): Uncertain significance (1 of 4 stars; one submission).

Submission:

GeneDx
Classification: Uncertain significance. Last evaluated: 2025-07-08. Review status: criteria provided, single submitter. Criteria: GeneDx Variant Classification Process June 2021. Collection method: clinical testing. Allele origin: germline. Affected: yes.
Comment: Not observed at significant frequency in large population cohorts (gnomAD); In silico analysis supports that this missense variant has a deleterious effect on protein structure/function; Has not been previously published as pathogenic or benign to our knowledge

NM_000260.4(MYO7A):c.1779C>G (p.Phe593Leu)

Gene: MYO7A (myosin VIIA; plus strand). Cytogenetic location: 11q13.5.
Variant type: single nucleotide variant.
Coding change: c.1779C>G on transcript NM_000260.4 (MANE Select); coding-DNA position 1779, C replaced by G.
Protein change: p.Phe593Leu; replaces phenylalanine 593 with leucine.
Molecular consequence: missense variant.
Genome position (GRCh38, 1-based): chr11:77,166,144, C>G. VCF-style: chr11-77166144-C-G. GRCh37 (hg19) VCF-style: chr11-76877190-C-G.
Other names: c.1779C>G, p.Phe593Leu (NM_001127180.2); c.1746C>G, p.Phe582Leu (NM_001369365.1); short protein forms F582L, F593L.
Identifiers: ClinVar variation 4685216 (VCV004685216.1).